The following is an entry in ClinVar:

ClinVar aggregate classification (germline): Likely pathogenic (1 of 4 stars; one submission).

Conditions:
Familial dysautonomia. Also called: HSAN III; FD. Identifiers: Orphanet 1764, MedGen C0013364, MONDO:0009131, OMIM 223900. Disease mechanism: loss of function.

Submission:

Myriad Genetics, Inc.
Classification: Likely pathogenic for Familial dysautonomia. Last evaluated: 2022-01-30. Review status: criteria provided, single submitter. Criteria: Myriad Women's Health Autosomal Recessive and X-Linked Classification Criteria (2021). Collection method: clinical testing. Allele origin: unknown.
Comment: NM_003640.3(ELP1):c.1419_1431del13(F473Lfs*22) is expected to be pathogenic in the context of familial dysautonomia. This variant is predicted to lead to an abnormal or absent protein product due to the creation of a premature termination codon in ELP1, a gene where loss-of-function variants are known to be pathogenic. Please note: this variant was assessed in the context of healthy population screening.

NM_003640.5(ELP1):c.1419_1431del (p.Phe473fs)

Gene: ELP1 (elongator acetyltransferase complex subunit 1; minus strand). Cytogenetic location: 9q31.3.
Variant type: Deletion.
Coding change: c.1419_1431del on transcript NM_003640.5 (MANE Select); coding-DNA positions 1419 to 1431, 13 bases deleted (TAAAGTTTGCCTT).
Protein change: p.Phe473fs; shifts the reading frame from phenylalanine 473.
Molecular consequence: frameshift variant.
Genome position (GRCh38, 1-based): chr9:108,908,334-108,908,346, AAGGCAAACTTTA deleted on the plus strand (TAAAGTTTGCCTT on the coding strand, the reverse complement: ELP1 is on the minus strand); deleting any 13 consecutive bases within chr9:108,908,334-108,908,348 gives the same sequence; the c. name uses the placement nearest the transcript's 3' end. VCF-style (leftmost placement, unchanged base first): chr9-108908333-TAAGGCAAACTTTA-T. GRCh37 (hg19) VCF-style: chr9-111670613-TAAGGCAAACTTTA-T.
Other names: c.1077_1089del, p.Phe359fs (NM_001318360.2); c.372_384del, p.Phe124fs (NM_001330749.2); short protein forms F124fs, F359fs, F473fs.
Identifiers: ClinVar variation 1724176 (VCV001724176.2), dbSNP rs2537917447, ClinGen allele CA2580079384.